The following is an entry in ClinVar:

ClinVar aggregate classification (germline): Pathogenic (1 of 4 stars; one submission).

Conditions:
Lynch syndrome 5 (LYNCH5). Also called: Colorectal cancer, hereditary nonpolyposis, type 5; Hereditary non-polyposis colorectal cancer, type 5. Identifiers: Orphanet 144, MedGen C1833477, MONDO:0013710, OMIM 614350. Disease mechanism: loss of function.

Submission:

Myriad Genetics, Inc.
Classification: Pathogenic for Lynch syndrome 5. Last evaluated: 2023-06-21. Review status: criteria provided, single submitter. Criteria: Myriad Autosomal Dominant, Autosomal Recessive and X-Linked Classification Criteria (2023). Collection method: clinical testing. Allele origin: unknown.
Comment: This variant is considered pathogenic. This variant creates a termination codon and is predicted to result in premature protein truncation.

NM_000179.3(MSH6):c.1407T>G (p.Tyr469Ter)

Gene: MSH6 (mutS homolog 6; plus strand). Cytogenetic location: 2p16.3.
Variant type: single nucleotide variant.
Coding change: c.1407T>G on transcript NM_000179.3 (MANE Select); coding-DNA position 1407, T replaced by G.
Protein change: p.Tyr469Ter; replaces tyrosine 469 with a stop codon.
Molecular consequence: nonsense. On other transcripts: non-coding transcript variant (4), intron variant (1).
Genome position (GRCh38, 1-based): chr2:47,799,390, T>G. VCF-style: chr2-47799390-T-G. GRCh37 (hg19) VCF-style: chr2-48026529-T-G.
Other names: c.1017T>G, p.Tyr339Ter (NM_001281492.2); c.501T>G, p.Tyr167Ter (NM_001281493.2, NM_001281494.2, NM_001406811.1 and 6 more transcripts); c.1503T>G, p.Tyr501Ter (NM_001406795.1, NM_001406802.1); c.1407T>G, p.Tyr469Ter (NM_001406796.1, NM_001406798.1, NM_001406800.1 and 4 more transcripts); c.1110T>G, p.Tyr370Ter (NM_001406797.1, NM_001406801.1, NM_001406805.1 and 10 more transcripts); c.882T>G, p.Tyr294Ter (NM_001406799.1, NM_001406806.1, NM_001406807.1); c.1329T>G, p.Tyr443Ter (NM_001406804.1); c.1413T>G, p.Tyr471Ter (NM_001406813.1); and 2 more; short protein forms Y167*, Y294*, Y339*, Y370*, Y413*, Y443*, Y469*, Y471*.
Identifiers: ClinVar variation 2584314 (VCV002584314.2), dbSNP rs587781408, ClinGen allele CA346745240.
Genomic context (GRCh38, chr2:47,799,390, plus strand): 5'-GGTATTCATGAAAGGCAACTGGGCCCATTCTGGCTTTCCTGAAATTGCATTTGGCCGTTA[T>G]TCAGATTCCCTGGTGCAGAAGGGCTATAAAGTAGCACGAGTGGAACAGACTGAGACTCCA-3'